The following is an entry in ClinVar:

NM_005035.4(POLRMT):c.1833C>T (p.Ser611=)

Gene: POLRMT (RNA polymerase mitochondrial; minus strand). Cytogenetic location: 19p13.3.
Variant type: single nucleotide variant.
Coding change: c.1833C>T on transcript NM_005035.4 (MANE Select); coding-DNA position 1833, C replaced by T.
Protein change: p.Ser611=; no amino-acid change (serine 611 retained).
Molecular consequence: synonymous variant. On other transcripts: non-coding transcript variant (1), intron variant (2).
Genome position (GRCh38, 1-based): chr19:622,167, G>A on the plus strand (C>T on the coding strand, the complement: POLRMT is on the minus strand). VCF-style: chr19-622167-G-A. GRCh37 (hg19) VCF-style: chr19-622167-G-A.
Other names: c.1824C>T, p.Ser608= (NM_001407806.1, NM_001407809.1); c.1821C>T, p.Ser607= (NM_001407807.1, NM_001407810.1); c.1833C>T, p.Ser611= (NM_001407808.1, NM_001407812.1, NM_001407814.1 and 4 more transcripts); c.1791C>T, p.Ser597= (NM_001407811.1, NM_001407813.1); c.1509C>T, p.Ser503= (NM_001407831.1, NM_001407833.1, NM_001407835.1 and 1 more transcripts); c.1500C>T, p.Ser500= (NM_001407834.1); c.1627-321C>T (NM_001407832.1, NM_001407830.1).
Identifiers: ClinVar variation 4084102 (VCV004084102.8).
Genomic context (GRCh38, chr19:622,167, plus strand): 5'-CCAGCGGGATGCCCCCCAGCTCAGGAGGGCACTGCCTGGCACCTGCTGGACGTTGCGGAA[G>A]GAATACACGTGGTAGAGCACGGGGACAAGCCGAGAGGAACGATGCGGCTTGTCCAGGCTG-3'
Protein context (NP_005026.3, residues 601-621): RLVPVLYHVY[Ser611=]FRNVQQIGIL

ClinVar aggregate classification (germline): Benign (1 of 4 stars; one submission).

gnomAD v4.1: 1,299 of 1,563,908 alleles (0.083%); highest among the groups gnomAD compares: South Asian, 1.2%; 13 homozygotes.

Submission:

CeGaT Center for Human Genetics Tuebingen
Classification: Benign. Last evaluated: 2025-07-01. Review status: criteria provided, single submitter. Criteria: CeGaT Center For Human Genetics Tuebingen Variant Classification Criteria Version 2. Collection method: clinical testing. Allele origin: germline. Affected: yes. Observed: 1 variant allele.
Comment: POLRMT: BP4, BP7, BS1, BS2